The following is an entry in ClinVar:

ClinVar aggregate classification (germline): Likely benign (1 of 4 stars; one submission).

gnomAD v4.1: 107 of 1,601,790 alleles (0.0067%); highest among the groups gnomAD compares: South Asian, 0.11%; no homozygotes.

Submission:

CeGaT Center for Human Genetics Tuebingen
Classification: Likely benign. Last evaluated: 2024-07-01. Review status: criteria provided, single submitter. Criteria: CeGaT Center For Human Genetics Tuebingen Variant Classification Criteria Version 2. Collection method: clinical testing. Allele origin: germline. Affected: yes. Observed: 1 variant allele.
Comment: MAST1: BS1

NM_014975.3(MAST1):c.2501A>C (p.Asp834Ala)

Genes: MAST1 (microtubule associated serine/threonine kinase 1; plus strand), LOC112543452 (Sharpr-MPRA regulatory region 6054; plus strand). Cytogenetic location: 19p13.13.
Variant type: single nucleotide variant.
Coding change: c.2501A>C on transcript NM_014975.3 (MANE Select); coding-DNA position 2501, A replaced by C.
Protein change: p.Asp834Ala; replaces aspartic acid 834 with alanine.
Molecular consequence: missense variant.
Genome position (GRCh38, 1-based): chr19:12,867,912, A>C. VCF-style: chr19-12867912-A-C. GRCh37 (hg19) VCF-style: chr19-12978726-A-C.
Other names: short protein forms D834A.
Identifiers: ClinVar variation 3257181 (VCV003257181.17).